The following is an entry in ClinVar:

NM_005883.3(APC2):c.373C>T (p.Arg125Trp)

Gene: APC2 (APC regulator of WNT signaling pathway 2; plus strand). Cytogenetic location: 19p13.3.
Variant type: single nucleotide variant.
Coding change: c.373C>T on transcript NM_005883.3 (MANE Select); coding-DNA position 373, C replaced by T.
Protein change: p.Arg125Trp; replaces arginine 125 with tryptophan.
Molecular consequence: missense variant.
Genome position (GRCh38, 1-based): chr19:1,453,571, C>T. VCF-style: chr19-1453571-C-T. GRCh37 (hg19) VCF-style: chr19-1453570-C-T.
Other names: c.373C>T, p.Arg125Trp (NM_001351273.1); short protein forms R125W.
Identifiers: ClinVar variation 2235348 (VCV002235348.3), dbSNP rs761738313, ClinGen allele CA9044703.

ClinVar aggregate classification (germline): Uncertain significance. Review status: criteria provided, multiple submitters, no conflicts (2 of 4 stars). 2 submissions from 2 submitters: Uncertain significance (2). Last evaluated 2023-04-12.

Conditions:
Inborn genetic diseases. Identifiers: MedGen C0950123, MeSH D030342.

Allele frequency attached by ClinVar (database versions not stated): ExAC 0.00002; TOPMed 0.00002.
gnomAD v4.1: 13 of 1,609,982 alleles (0.00081%); highest among the groups gnomAD compares: Admixed American, 0.005%; no homozygotes.

Submissions (2):

GeneDx
Classification: Uncertain significance. Last evaluated: 2023-04-12. Review status: criteria provided, single submitter. Criteria: GeneDx Variant Classification Process June 2021. Collection method: clinical testing. Allele origin: germline. Affected: yes.
Comment: In silico analysis supports that this missense variant has a deleterious effect on protein structure/function; Has not been previously published as pathogenic or benign to our knowledge

Ambry Genetics
Classification: Uncertain significance for Inborn genetic diseases. Last evaluated: 2021-07-06. Review status: criteria provided, single submitter. Criteria: Ambry Variant Classification Scheme 2023. Collection method: clinical testing. Allele origin: germline.